The following is an entry in ClinVar:

ClinVar aggregate classification (germline): Likely pathogenic (1 of 4 stars; one submission).

Conditions:
CHD7-related CHARGE syndrome. Identifiers: MedGen CN380413, MONDO:1010178, OMIM 214800.

Submission:

School of Life and Health Science, Hubei University of Technology
Classification: Likely pathogenic for CHD7-related CHARGE syndrome. Last evaluated: 2026-03-31. Review status: criteria provided, single submitter. Criteria: ACMG Guidelines, 2015. Collection method: clinical testing. Allele origin: de novo. Inheritance: Autosomal dominant inheritance. Affected: yes.
Comment: This variant results in the truncating mutation p.V662Lfs*7, which is classified as pathogenic (PVS1+PS2+PM2) according to the ACMG (American College of Medical Genetics) clinical practice guidelines. This variant was not documented in the dbSNP, ClinVar, HGMD or 1000 Genomes SNP databases, nor in the in-house Chigene (Beijing, China) database containing exome sequences from over 200,000 healthy Chinese individuals.

NM_012431.3(SEMA3E):c.1980_1983dup (p.Val662fs)

Gene: SEMA3E (semaphorin 3E; minus strand). Cytogenetic location: 7q21.11.
Variant type: Duplication.
Coding change: c.1980_1983dup on transcript NM_012431.3 (MANE Select); coding-DNA positions 1980 to 1983, 4 bases duplicated (CTTT; older notation c.1980_1983dupCTTT).
Protein change: p.Val662fs; shifts the reading frame from valine 662.
Molecular consequence: frameshift variant.
Genome position (GRCh38, 1-based): chr7:83,367,931-83,367,934, AAAG duplicated on the plus strand (CTTT on the coding strand, the reverse complement: SEMA3E is on the minus strand). VCF-style (leftmost placement, unchanged base first): chr7-83367930-C-CAAAG. GRCh37 (hg19) VCF-style: chr7-82997246-C-CAAAG.
Other names: c.1800_1803dup, p.Val602fs (NM_001178129.2); short protein forms V602fs, V662fs.
Identifiers: ClinVar variation 4856994 (VCV004856994.1).